The following is an entry in ClinVar:

NM_001378454.1(ALMS1):c.5977A>T (p.Lys1993Ter)

Gene: ALMS1 (ALMS1 centrosome and basal body associated protein; plus strand). Cytogenetic location: 2p13.1.
Variant type: single nucleotide variant.
Coding change: c.5977A>T on transcript NM_001378454.1 (MANE Select); coding-DNA position 5977, A replaced by T.
Protein change: p.Lys1993Ter; replaces lysine 1993 with a stop codon.
Molecular consequence: nonsense.
Genome position (GRCh38, 1-based): chr2:73,452,504, A>T. VCF-style: chr2-73452504-A-T. GRCh37 (hg19) VCF-style: chr2-73679631-A-T.
Other names: c.5980A>T, p.Lys1994Ter (NM_015120.4); short protein forms K1993*, K1994*.
Identifiers: ClinVar variation 1725524 (VCV001725524.2), dbSNP rs2466107330, ClinGen allele CA347284206.

ClinVar aggregate classification (germline): Likely pathogenic (1 of 4 stars; one submission).

Conditions:
Alstrom syndrome (ALMS). Identifiers: Orphanet 64, MedGen C0268425, MONDO:0008763, OMIM 203800.

Submission:

Myriad Genetics, Inc.
Classification: Likely pathogenic for Alstrom syndrome. Last evaluated: 2022-03-29. Review status: criteria provided, single submitter. Criteria: Myriad Women's Health Autosomal Recessive and X-Linked Classification Criteria (2021). Collection method: clinical testing. Allele origin: unknown.
Comment: NM_015120.4(ALMS1):c.5980A>T(K1994*) is expected to be pathogenic in the context of Alstrom syndrome. This variant is predicted to lead to an abnormal or absent protein product due to the creation of a premature termination codon in ALMS1, a gene where loss-of-function variants are known to be pathogenic. Please note: this variant was assessed in the context of healthy population screening.